The following is an entry in ClinVar:

NM_000051.4(ATM):c.7293_7294del (p.Lys2431fs)

Genes: ATM (ATM serine/threonine kinase; plus strand), C11orf65 (chromosome 11 open reading frame 65; minus strand). Cytogenetic location: 11q22.3.
Variant type: Deletion.
Coding change: c.7293_7294del on transcript NM_000051.4 (MANE Select); coding-DNA positions 7293 to 7294, 2 bases deleted (AA; older notation c.7293_7294delAA).
Protein change: p.Lys2431fs; shifts the reading frame from lysine 2431.
Molecular consequence: frameshift variant. On other transcripts: intron variant (2).
Genome position (GRCh38, 1-based): chr11:108,329,224-108,329,225, AA deleted; deleting any 2 consecutive bases within chr11:108,329,222-108,329,225 gives the same sequence; the c. name uses the placement nearest the transcript's 3' end. VCF-style (leftmost placement, unchanged base first): chr11-108329221-TAA-T. GRCh37 (hg19) VCF-style: chr11-108199948-TAA-T.
Other names: c.7293_7294delAA, p.Lys2431Asnfs (NM_000051.3); c.7293_7294del, p.Lys2431fs (NM_001351834.2); c.641-20152_641-20151del (NM_001330368.2); c.*38+5997_*38+5998del (NM_001351110.2); short protein forms K2431fs.
Identifiers: ClinVar variation 407449 (VCV000407449.11), dbSNP rs1060501525, ClinGen allele CA16613490.
Genomic context (GRCh38, chr11:108,329,221, plus strand): 5'-TGAAAACAAGCAAGCTCTCCTGAAAAGAGCCAAAGAGGAAGTAGGTCTCCTTAGGGAACA[TAA>T]AATTCAGACAAACAGGTAACTAGGTTTCTACAAGTGACAATTTTATGTTCACCAGTTAAC-3'

ClinVar aggregate classification (germline): Pathogenic. Review status: criteria provided, multiple submitters, no conflicts (2 of 4 stars). 2 submissions from 2 submitters: Pathogenic (2). Last evaluated 2025-07-02.

Conditions:
Hereditary cancer-predisposing syndrome. Also called: Neoplastic Syndromes, Hereditary; Hereditary Cancer Syndrome; Tumor predisposition; Hereditary neoplastic syndrome. Identifiers: Orphanet 140162, MedGen C0027672, MeSH D009386, MONDO:0015356.
Ataxia-telangiectasia syndrome (AT). Also called: LOUIS-BAR SYNDROME; Cerebello-oculocutaneous telangiectasia; Immunodeficiency with ataxia telangiectasia; Ataxia-telangiectasia, complementation group D; AT, COMPLEMENTATION GROUP C; Ataxia-telangiectasia, complementation group E. Identifiers: Orphanet 100, MedGen C0004135, MONDO:0008840, OMIM 208900.

Submissions (2):

Labcorp Genetics (formerly Invitae), Labcorp
Classification: Pathogenic for Ataxia-telangiectasia syndrome. Last evaluated: 2025-07-02. Review status: criteria provided, single submitter. Criteria: Invitae Variant Classification Sherloc (09022015). Collection method: clinical testing. Allele origin: germline.
Comment: This sequence change creates a premature translational stop signal (p.Lys2431Asnfs*18) in the ATM gene. It is expected to result in an absent or disrupted protein product. Loss-of-function variants in ATM are known to be pathogenic (PMID: 23807571, 25614872). This variant is not present in population databases (gnomAD no frequency). This variant has not been reported in the literature in individuals affected with ATM-related conditions. ClinVar contains an entry for this variant (Variation ID: 407449). For these reasons, this variant has been classified as Pathogenic.

Ambry Genetics
Classification: Pathogenic for Hereditary cancer-predisposing syndrome. Last evaluated: 2023-08-24. Review status: criteria provided, single submitter. Criteria: Ambry Variant Classification Scheme 2023. Collection method: clinical testing. Allele origin: germline.
Comment: The c.7293_7294delAA pathogenic mutation, located in coding exon 48 of the ATM gene, results from a deletion of two nucleotides at nucleotide positions 7293 to 7294, causing a translational frameshift with a predicted alternate stop codon (p.K2431Nfs*18). This alteration is expected to result in loss of function by premature protein truncation or nonsense-mediated mRNA decay. As such, this alteration is interpreted as a disease-causing mutation.

Literature cited by the submitters: PubMed 23807571 (cited by Labcorp Genetics (formerly Invitae), Labcorp); PubMed 25614872 (cited by Labcorp Genetics (formerly Invitae), Labcorp).